The following is an entry in ClinVar:

ClinVar aggregate classification (germline): Uncertain significance (1 of 4 stars; one submission).

gnomAD v4.1: 5 of 1,613,122 alleles (0.00031%); highest among the groups gnomAD compares: Non-Finnish European, 0.00042%; no homozygotes.

Submission:

Labcorp Genetics (formerly Invitae), Labcorp
Classification: Uncertain significance. Last evaluated: 2024-05-14. Review status: criteria provided, single submitter. Criteria: Invitae Variant Classification Sherloc (09022015). Collection method: clinical testing. Allele origin: germline.
Comment: This sequence change replaces arginine, which is basic and polar, with threonine, which is neutral and polar, at codon 70 of the SPP2 protein (p.Arg70Thr). This variant is not present in population databases (gnomAD no frequency). This variant has not been reported in the literature in individuals affected with SPP2-related conditions. An algorithm developed to predict the effect of missense changes on protein structure and function (PolyPhen-2) suggests that this variant is likely to be disruptive. In summary, the available evidence is currently insufficient to determine the role of this variant in disease. Therefore, it has been classified as a Variant of Uncertain Significance.

NM_006944.3(SPP2):c.209G>C (p.Arg70Thr)

Gene: SPP2 (secreted phosphoprotein 2; plus strand). Cytogenetic location: 2q37.1.
Variant type: single nucleotide variant.
Coding change: c.209G>C on transcript NM_006944.3 (MANE Select); coding-DNA position 209, G replaced by C.
Protein change: p.Arg70Thr; replaces arginine 70 with threonine.
Molecular consequence: missense variant.
Genome position (GRCh38, 1-based): chr2:234,051,094, G>C. VCF-style: chr2-234051094-G-C. GRCh37 (hg19) VCF-style: chr2-234959738-G-C.
Other names: short protein forms R70T.
Identifiers: ClinVar variation 3653400 (VCV003653400.2).